The following is an entry in ClinVar:

ClinVar aggregate classification (germline): Likely pathogenic (1 of 4 stars; one submission).

Conditions:
CTU2-related disorder. Also called: CTU2-related condition.

Submission:

PreventionGenetics, part of Exact Sciences
Classification: Likely pathogenic for CTU2-related condition. Last evaluated: 2025-01-06. Review status: criteria provided, single submitter. Criteria: ACMG Guidelines, 2015. Collection method: clinical testing. Allele origin: germline.
Comment: The CTU2 c.1479-33_1483del38 variant is predicted to result in a deletion affecting a canonical splice site. To our knowledge, this variant has not been reported in the literature. This variant is reported in 0.0067% of alleles in individuals of South Asian descent in gnomAD. This variant is interpreted as likely pathogenic.

NM_001012759.3(CTU2):c.1479-33_1483del

Gene: CTU2 (cytosolic thiouridylase subunit 2; plus strand). Cytogenetic location: 16q24.3.
Variant type: Deletion.
Coding change: c.1479-33_1483del on transcript NM_001012759.3 (MANE Select); 33 bases into the intron before coding-DNA position 1479 through coding-DNA position 1483, 38 bases deleted.
Molecular consequence: splice acceptor variant.
Genome position (GRCh38, 1-based): chr16:88,715,149-88,715,186, 38 bases deleted; deleting any 38 consecutive bases within chr16:88,715,143-88,715,186 gives the same sequence; the c. name uses the placement nearest the transcript's 3' end. GRCh37 (hg19): chr16:88,781,557-88,781,594.
Other names: c.1692-33_1696del (NM_001318507.2); c.1420-33_1424del (NM_001012762.3); c.1218-33_1222del (NM_001318513.2).
Identifiers: ClinVar variation 4989740 (VCV004989740.1).